The following is an entry in ClinVar:

NM_024675.4(PALB2):c.2800G>C (p.Val934Leu)

Gene: PALB2 (partner and localizer of BRCA2; minus strand). Cytogenetic location: 16p12.2.
Variant type: single nucleotide variant.
Coding change: c.2800G>C on transcript NM_024675.4 (MANE Select); coding-DNA position 2800, G replaced by C.
Protein change: p.Val934Leu; replaces valine 934 with leucine.
Molecular consequence: missense variant.
Genome position (GRCh38, 1-based): chr16:23,624,043, C>G on the plus strand (G>C on the coding strand, the complement: PALB2 is on the minus strand). VCF-style: chr16-23624043-C-G. GRCh37 (hg19) VCF-style: chr16-23635364-C-G.
Other names: short protein forms V934L.
Identifiers: ClinVar variation 1390313 (VCV001390313.7), dbSNP rs370243279, ClinGen allele CA395144977.

ClinVar aggregate classification (germline): Uncertain significance (1 of 4 stars; one submission).

Conditions:
Familial cancer of breast. Also called: BREAST CANCER, FAMILIAL; Hereditary breast cancer; hereditary breast carcinoma. Identifiers: Orphanet 227535, MedGen C0346153, MONDO:0016419, OMIM 114480. Disease mechanism: loss of function.

Submission:

Labcorp Genetics (formerly Invitae), Labcorp
Classification: Uncertain significance for Familial cancer of breast. Last evaluated: 2022-06-27. Review status: criteria provided, single submitter. Criteria: Invitae Variant Classification Sherloc (09022015). Collection method: clinical testing. Allele origin: germline.
Comment: This variant has not been reported in the literature in individuals affected with PALB2-related conditions. This variant is not present in population databases (gnomAD no frequency). This sequence change replaces valine, which is neutral and non-polar, with leucine, which is neutral and non-polar, at codon 934 of the PALB2 protein (p.Val934Leu). Algorithms developed to predict the effect of missense changes on protein structure and function are either unavailable or do not agree on the potential impact of this missense change (SIFT: "Deleterious"; PolyPhen-2: "Probably Damaging"; Align-GVGD: "Class C0"). In summary, the available evidence is currently insufficient to determine the role of this variant in disease. Therefore, it has been classified as a Variant of Uncertain Significance.